The following is an entry in ClinVar:

NM_199420.4(POLQ):c.4879C>T (p.His1627Tyr)

Gene: POLQ (DNA polymerase theta; minus strand). Cytogenetic location: 3q13.33.
Variant type: single nucleotide variant.
Coding change: c.4879C>T on transcript NM_199420.4 (MANE Select); coding-DNA position 4879, C replaced by T.
Protein change: p.His1627Tyr; replaces histidine 1627 with tyrosine.
Molecular consequence: missense variant.
Genome position (GRCh38, 1-based): chr3:121,488,052, G>A on the plus strand (C>T on the coding strand, the complement: POLQ is on the minus strand). VCF-style: chr3-121488052-G-A. GRCh37 (hg19) VCF-style: chr3-121206899-G-A.
Other names: short protein forms H1627Y.
Identifiers: ClinVar variation 1743755 (VCV001743755.3), dbSNP rs2546785422, ClinGen allele CA354093424.

ClinVar aggregate classification (germline): Uncertain significance (1 of 4 stars; one submission).

Allele frequency attached by ClinVar (database versions not stated): gnomAD exomes below 0.00001.
gnomAD v4.1: 2 of 1,613,980 alleles (0.00012%); highest among the groups gnomAD compares: South Asian, 0.0022%; no homozygotes.

Submission:

Ambry Genetics
Classification: Uncertain significance. Last evaluated: 2024-11-15. Review status: criteria provided, single submitter. Criteria: Ambry Variant Classification Scheme 2023. Collection method: clinical testing. Allele origin: germline.
Comment: The p.H1627Y variant (also known as c.4879C>T), located in coding exon 16 of the POLQ gene, results from a C to T substitution at nucleotide position 4879. The histidine at codon 1627 is replaced by tyrosine, an amino acid with similar properties. This amino acid position is conserved. In addition, this alteration is predicted to be tolerated by in silico analysis. Since supporting evidence is limited at this time, the clinical significance of this alteration remains unclear.